The following is an entry in ClinVar:

NM_000466.3(PEX1):c.1836del (p.Cys613fs)

Gene: PEX1 (peroxisomal biogenesis factor 1; minus strand). Cytogenetic location: 7q21.2.
Variant type: Deletion.
Coding change: c.1836del on transcript NM_000466.3 (MANE Select); coding-DNA position 1836, one base deleted (C; older notation c.1836delC).
Protein change: p.Cys613fs; shifts the reading frame from cysteine 613.
Molecular consequence: frameshift variant.
Genome position (GRCh38, 1-based): chr7:92,506,312, G deleted on the plus strand (C on the coding strand, the reverse complement: PEX1 is on the minus strand). VCF-style (leftmost placement, unchanged base first): chr7-92506311-AG-A. GRCh37 (hg19) VCF-style: chr7-92135625-AG-A.
Other names: c.1836del, p.Cys613fs (NM_001282677.2); c.1212del, p.Cys405fs (NM_001282678.2); short protein forms C405fs, C613fs.
Identifiers: ClinVar variation 4818387 (VCV004818387.1).

ClinVar aggregate classification (germline): Likely pathogenic (1 of 4 stars; one submission).

Conditions:
Zellweger spectrum disorders (ZS). Also called: Zellweger Spectrum Disorder (ZSD); Zellweger syndrome; Zellweger Spectrum Disorder; Zellweger Spectrum. Identifiers: Orphanet 912, MedGen C0043459, MONDO:0019609.

Submission:

Natera, Inc.
Classification: Likely pathogenic for Zellweger syndrome. Last evaluated: 2024-07-29. Review status: criteria provided, single submitter. Criteria: Natera Variant Classification Schema (03/2026). Collection method: clinical testing. Allele origin: germline.
Comment: The c.1836del variant in PEX1 is a frameshift variant predicted to shift the reading frame beginning at codon 613 and leads to a stop codon 32 codons downstream. This variant is expected to result in nonsense mediated decay, truncation, or a dysfunctional protein product. This variant is rare in the general population with a frequency below the threshold expected for the associated phenotype(s). Given the available evidence, this variant is classified as Likely Pathogenic.